The following is an entry in ClinVar:

ClinVar aggregate classification (germline): Uncertain significance (1 of 4 stars; one submission).

Conditions:
Nemaline myopathy 6 (NEM6). Also called: Nemaline myopathy 6, autosomal dominant. Identifiers: Orphanet 171439, MedGen C1836472, MONDO:0012237, OMIM 609273.

Submission:

Labcorp Genetics (formerly Invitae), Labcorp
Classification: Uncertain significance for Nemaline myopathy 6. Last evaluated: 2023-03-08. Review status: criteria provided, single submitter. Criteria: Invitae Variant Classification Sherloc (09022015). Collection method: clinical testing. Allele origin: germline.
Comment: This sequence change replaces serine, which is neutral and polar, with glycine, which is neutral and non-polar, at codon 198 of the KBTBD13 protein (p.Ser198Gly). In summary, the available evidence is currently insufficient to determine the role of this variant in disease. Therefore, it has been classified as a Variant of Uncertain Significance. Advanced modeling of protein sequence and biophysical properties (such as structural, functional, and spatial information, amino acid conservation, physicochemical variation, residue mobility, and thermodynamic stability) performed at Invitae indicates that this missense variant is not expected to disrupt KBTBD13 protein function. ClinVar contains an entry for this variant (Variation ID: 1913602). This variant has not been reported in the literature in individuals affected with KBTBD13-related conditions. This variant is present in population databases (no rsID available, gnomAD 0.004%).

NM_001101362.3(KBTBD13):c.592A>G (p.Ser198Gly)

Gene: KBTBD13 (kelch repeat and BTB domain containing 13; plus strand). Cytogenetic location: 15q22.31.
Variant type: single nucleotide variant.
Coding change: c.592A>G on transcript NM_001101362.3 (MANE Select); coding-DNA position 592, A replaced by G.
Protein change: p.Ser198Gly; replaces serine 198 with glycine.
Molecular consequence: missense variant.
Genome position (GRCh38, 1-based): chr15:65,077,407, A>G. VCF-style: chr15-65077407-A-G. GRCh37 (hg19) VCF-style: chr15-65369745-A-G.
Other names: short protein forms S198G.
Identifiers: ClinVar variation 1913602 (VCV001913602.5), dbSNP rs1157723834, ClinGen allele CA392861651.